The following is an entry in ClinVar:

ClinVar aggregate classification (germline): Uncertain significance (1 of 4 stars; one submission).

Submission:

GeneDx
Classification: Uncertain significance. Last evaluated: 2020-12-24. Review status: criteria provided, single submitter. Criteria: GeneDx Variant Classification Process June 2021. Collection method: clinical testing. Allele origin: germline. Affected: yes.
Comment: Not observed in large population cohorts (Lek et al., 2016); In silico analysis supports that this missense variant does not alter protein structure/function; Has not been previously published as pathogenic or benign to our knowledge

NM_001375524.1(TRRAP):c.3079A>T (p.Met1027Leu)

Gene: TRRAP (transformation/transcription domain associated protein; plus strand). Cytogenetic location: 7q22.1.
Variant type: single nucleotide variant.
Coding change: c.3079A>T on transcript NM_001375524.1 (MANE Select); coding-DNA position 3079, A replaced by T.
Protein change: p.Met1027Leu; replaces methionine 1027 with leucine.
Molecular consequence: missense variant.
Genome position (GRCh38, 1-based): chr7:98,927,270, A>T. VCF-style: chr7-98927270-A-T. GRCh37 (hg19) VCF-style: chr7-98524893-A-T.
Other names: c.3079A>T, p.Met1027Leu (NM_001244580.2, NM_003496.4); short protein forms M1027L.
Identifiers: ClinVar variation 1203687 (VCV001203687.3), dbSNP rs2116495080, ClinGen allele CA368297174.